The following is an entry in ClinVar:

ClinVar aggregate classification (germline): Uncertain significance (1 of 4 stars; one submission).

Submission:

GeneDx
Classification: Uncertain significance. Last evaluated: 2024-07-08. Review status: criteria provided, single submitter. Criteria: GeneDx Variant Classification Process June 2021. Collection method: clinical testing. Allele origin: germline. Affected: yes.
Comment: Not observed at significant frequency in large population cohorts (gnomAD); In silico analysis indicates that this missense variant does not alter protein structure/function; Has not been previously published as pathogenic or benign to our knowledge

NM_001393504.1(MAST3):c.2458T>G (p.Phe820Val)

Gene: MAST3 (microtubule associated serine/threonine kinase 3; plus strand). Cytogenetic location: 19p13.11.
Variant type: single nucleotide variant.
Coding change: c.2458T>G on transcript NM_001393504.1 (MANE Select); coding-DNA position 2458, T replaced by G.
Protein change: p.Phe820Val; replaces phenylalanine 820 with valine.
Molecular consequence: missense variant.
Genome position (GRCh38, 1-based): chr19:18,143,881, T>G. VCF-style: chr19-18143881-T-G. GRCh37 (hg19) VCF-style: chr19-18254691-T-G.
Other names: c.2482T>G, p.Phe828Val (NM_001393501.1); c.2461T>G, p.Phe821Val (NM_001393502.1); c.2458T>G, p.Phe820Val (NM_001393503.1); c.2455T>G, p.Phe819Val (NM_001393505.1); c.2410T>G, p.Phe804Val (NM_001393506.1, NM_001393513.1); c.2437T>G, p.Phe813Val (NM_001393507.1); c.2392T>G, p.Phe798Val (NM_001393508.1, NM_001393516.1); c.2389T>G, p.Phe797Val (NM_001393509.1, NM_001393510.1, NM_001393512.1 and 2 more transcripts); and 4 more; short protein forms F796V, F821V, F791V, F813V, F790V, F797V, F798V, F819V.
Identifiers: ClinVar variation 3572636 (VCV003572636.1).